The following is an entry in ClinVar:

NM_005343.4(HRAS):c.127C>T (p.Gln43Ter)

Genes: HRAS (HRas proto-oncogene, GTPase; minus strand), LRRC56 (leucine rich repeat containing 56; plus strand). Cytogenetic location: 11p15.5.
Variant type: single nucleotide variant.
Coding change: c.127C>T on transcript NM_005343.4 (MANE Select); coding-DNA position 127, C replaced by T.
Protein change: p.Gln43Ter; replaces glutamine 43 with a stop codon.
Molecular consequence: nonsense. On other transcripts: 5 prime UTR variant (1).
Genome position (GRCh38, 1-based): chr11:533,929, G>A on the plus strand (C>T on the coding strand, the complement: HRAS is on the minus strand). VCF-style: chr11-533929-G-A. GRCh37 (hg19) VCF-style: chr11-533929-G-A.
Other names: c.127C>T, p.Gln43Ter (NM_001130442.3, NM_176795.5); c.-193C>T (NM_001318054.2); short protein forms Q43*.
Identifiers: ClinVar variation 1465356 (VCV001465356.6), dbSNP rs2133991697, ClinGen allele CA378924790.

ClinVar aggregate classification (germline): Uncertain significance (1 of 4 stars; one submission).

Conditions:
Costello syndrome (CSTLO). Also called: FCS SYNDROME; FACIOCUTANEOSKELETAL SYNDROME; HRAS-Related Costello Syndrome. Identifiers: Orphanet 3071, MedGen C0587248, MONDO:0009026, OMIM 218040.

Submission:

Labcorp Genetics (formerly Invitae), Labcorp
Classification: Uncertain significance for Costello syndrome. Last evaluated: 2021-09-01. Review status: criteria provided, single submitter. Criteria: Invitae Variant Classification Sherloc (09022015). Collection method: clinical testing. Allele origin: germline.
Comment: Algorithms developed to predict the effect of sequence changes on RNA splicing suggest that this variant may create or strengthen a splice site. This sequence change creates a premature translational stop signal (p.Gln43*) in the HRAS gene. It is expected to result in an absent or disrupted protein product. However, the current clinical and genetic evidence is not sufficient to establish whether loss-of-function variants in HRAS cause disease. This variant is not present in population databases (ExAC no frequency). This variant has not been reported in the literature in individuals affected with HRAS-related conditions. In summary, the available evidence is currently insufficient to determine the role of this variant in disease. Therefore, it has been classified as a Variant of Uncertain Significance.